The following is an entry in ClinVar:

NM_001098.3(ACO2):c.1482+1G>T

Gene: ACO2 (aconitase 2; plus strand). Cytogenetic location: 22q13.2.
Variant type: single nucleotide variant.
Coding change: c.1482+1G>T on transcript NM_001098.3 (MANE Select); the canonical splice donor site of the intron after coding-DNA position 1482, G replaced by T.
Molecular consequence: splice donor variant.
Genome position (GRCh38, 1-based): chr22:41,523,942, G>T. VCF-style: chr22-41523942-G-T. GRCh37 (hg19) VCF-style: chr22-41919946-G-T.
Identifiers: ClinVar variation 4849567 (VCV004849567.1).

ClinVar aggregate classification (germline): Pathogenic (1 of 4 stars; one submission).

Conditions:
Optic neuropathy. Also called: Optic nerve disorder. Identifiers: MedGen C3887709, MONDO:0002135, HP:0001138.

Submission:

Genetics Laboratory, Great Ormond Street Hospital NHS Foundation Trust, North Thames Genomic Laboratory Hub
Classification: Pathogenic for Optic neuropathy. Last evaluated: 2026-03-05. Review status: criteria provided, single submitter. Criteria: ACGS Best Practice Guidelines for Variant Classification in Rare Disease 2024 v1.2. Collection method: clinical testing. Allele origin: germline. Affected: yes.
Comment: PM2_moderate, PVS1_very-strong